The following is an entry in ClinVar:

ClinVar aggregate classification (germline): Uncertain significance (1 of 4 stars; one submission).

gnomAD v4.1: 26 of 1,610,506 alleles (0.0016%); highest among the groups gnomAD compares: East Asian, 0.0045%; no homozygotes.

Submission:

Ambry Genetics
Classification: Uncertain significance. Last evaluated: 2024-11-20. Review status: criteria provided, single submitter. Criteria: Ambry Variant Classification Scheme 2023. Collection method: clinical testing. Allele origin: germline.
Comment: The p.A689V variant (also known as c.2066C>T), located in coding exon 12 of the ATRIP gene, results from a C to T substitution at nucleotide position 2066. The alanine at codon 689 is replaced by valine, an amino acid with similar properties. This amino acid position is conserved. In addition, this alteration is predicted to be tolerated by in silico analysis. Based on the available evidence, the clinical significance of this variant remains unclear.

NM_130384.3(ATRIP):c.2066C>T (p.Ala689Val)

Genes: ATRIP (ATR interacting protein; plus strand), ATRIP-TREX1 (ATRIP-TREX1 readthrough; plus strand). Cytogenetic location: 3p21.31.
Variant type: single nucleotide variant.
Coding change: c.2066C>T on transcript NM_130384.3 (MANE Select); coding-DNA position 2066, C replaced by T.
Protein change: p.Ala689Val; replaces alanine 689 with valine.
Molecular consequence: missense variant. On other transcripts: non-coding transcript variant (1).
Genome position (GRCh38, 1-based): chr3:48,464,841, C>T. VCF-style: chr3-48464841-C-T. GRCh37 (hg19) VCF-style: chr3-48506240-C-T.
Other names: c.1685C>T, p.Ala562Val (NM_001271022.2); c.1787C>T, p.Ala596Val (NM_001271023.2); c.1985C>T, p.Ala662Val (NM_032166.4); short protein forms A562V, A689V, A596V, A662V.
Identifiers: ClinVar variation 3464087 (VCV003464087.1).